The following is an entry in ClinVar:

NM_032119.4(ADGRV1):c.2553+1G>A

Gene: ADGRV1 (adhesion G protein-coupled receptor V1; plus strand). Cytogenetic location: 5q14.3.
Variant type: single nucleotide variant.
Coding change: c.2553+1G>A on transcript NM_032119.4 (MANE Select); the canonical splice donor site of the intron after coding-DNA position 2553, G replaced by A.
Molecular consequence: splice donor variant.
Genome position (GRCh38, 1-based): chr5:90,643,042, G>A. VCF-style: chr5-90643042-G-A. GRCh37 (hg19) VCF-style: chr5-89938859-G-A.
Identifiers: ClinVar variation 2837274 (VCV002837274.3), dbSNP rs764676359, ClinGen allele CA360388808.
Genomic context (GRCh38, chr5:90,643,042, plus strand): 5'-AAACCTGGAGAAAGGGAGATAGTGATCACCTTGCTAGCAAGATTGGATGGGATACCAGAG[G>A]TATGGGATTTTATATTTTCTTTGTGTTTCTCTGTAAGATTGATAGTATTTGGTATATTAT-3'

ClinVar aggregate classification (germline): Likely pathogenic (1 of 4 stars; one submission).

gnomAD v4.1: 1 of 1,609,504 alleles (0.000062%); highest among the groups gnomAD compares: Non-Finnish European, 0.000085%; no homozygotes.

Submission:

Labcorp Genetics (formerly Invitae), Labcorp
Classification: Likely pathogenic. Last evaluated: 2023-02-14. Review status: criteria provided, single submitter. Criteria: Invitae Variant Classification Sherloc (09022015). Collection method: clinical testing. Allele origin: germline.
Comment: This sequence change affects a donor splice site in intron 13 of the ADGRV1 gene. It is expected to disrupt RNA splicing. Variants that disrupt the donor or acceptor splice site typically lead to a loss of protein function (PMID: 16199547), and loss-of-function variants in ADGRV1 are known to be pathogenic (PMID: 19357117, 22135276, 22147658, 26226137, 30718709, 31047384, 32467589). This variant is not present in population databases (gnomAD no frequency). This variant has not been reported in the literature in individuals affected with ADGRV1-related conditions. Algorithms developed to predict the effect of sequence changes on RNA splicing suggest that this variant may disrupt the consensus splice site. In summary, the currently available evidence indicates that the variant is pathogenic, but additional data are needed to prove that conclusively. Therefore, this variant has been classified as Likely Pathogenic.

Literature cited by the submitters: PubMed 16199547; PubMed 19357117; PubMed 22135276; PubMed 22147658; PubMed 26226137; PubMed 30718709; PubMed 31047384; PubMed 32467589.